The following is an entry in ClinVar:

NM_006059.4(LAMC3):c.3199C>T (p.His1067Tyr)

Gene: LAMC3 (laminin subunit gamma 3; plus strand). Cytogenetic location: 9q34.12.
Variant type: single nucleotide variant.
Coding change: c.3199C>T on transcript NM_006059.4 (MANE Select); coding-DNA position 3199, C replaced by T.
Protein change: p.His1067Tyr; replaces histidine 1067 with tyrosine.
Molecular consequence: missense variant.
Genome position (GRCh38, 1-based): chr9:131,071,613, C>T. VCF-style: chr9-131071613-C-T. GRCh37 (hg19) VCF-style: chr9-133947000-C-T.
Other names: c.3199C>T (NM_006059.3); short protein forms H1067Y.
Identifiers: ClinVar variation 1408832 (VCV001408832.6), dbSNP rs373548512, ClinGen allele CA5287702.

ClinVar aggregate classification (germline): Uncertain significance. Review status: criteria provided, multiple submitters, no conflicts (2 of 4 stars). 2 submissions from 2 submitters: Uncertain significance (2). Last evaluated 2024-02-23.

Conditions:
Inborn genetic diseases. Identifiers: MedGen C0950123, MeSH D030342.

Allele frequency attached by ClinVar (database versions not stated): gnomAD 0.00001; ExAC 0.00003; TOPMed 0.00003; gnomAD exomes 0.00004; ESP Exome Variant Server 0.00008.
gnomAD v4.1: 29 of 1,588,950 alleles (0.0018%); highest among the groups gnomAD compares: Non-Finnish European, 0.0006%; no homozygotes.

Submissions (2):

Labcorp Genetics (formerly Invitae), Labcorp
Classification: Uncertain significance. Last evaluated: 2024-02-23. Review status: criteria provided, single submitter. Criteria: Invitae Variant Classification Sherloc (09022015). Collection method: clinical testing. Allele origin: germline.
Comment: This sequence change replaces histidine, which is basic and polar, with tyrosine, which is neutral and polar, at codon 1067 of the LAMC3 protein (p.His1067Tyr). This variant is present in population databases (rs373548512, gnomAD 0.07%). This variant has not been reported in the literature in individuals affected with LAMC3-related conditions. ClinVar contains an entry for this variant (Variation ID: 1408832). Algorithms developed to predict the effect of missense changes on protein structure and function output the following: SIFT: "Not Available"; PolyPhen-2: "Benign"; Align-GVGD: "Not Available". The tyrosine amino acid residue is found in multiple mammalian species, which suggests that this missense change does not adversely affect protein function. In summary, the available evidence is currently insufficient to determine the role of this variant in disease. Therefore, it has been classified as a Variant of Uncertain Significance.

Ambry Genetics
Classification: Uncertain significance for Inborn genetic diseases. Last evaluated: 2022-10-12. Review status: criteria provided, single submitter. Criteria: Ambry Variant Classification Scheme 2023. Collection method: clinical testing. Allele origin: germline.